The following is an entry in ClinVar:

NM_152443.3(RDH12):c.825G>C (p.Glu275Asp)

Genes: ZFYVE26 (zinc finger FYVE-type containing 26; minus strand), GPHN (gephyrin; plus strand), RDH12 (retinol dehydrogenase 12; plus strand). Cytogenetic location: 14q24.1.
Variant type: single nucleotide variant.
Coding change: c.825G>C on transcript NM_152443.3 (MANE Select); coding-DNA position 825, G replaced by C.
Protein change: p.Glu275Asp; replaces glutamic acid 275 with aspartic acid.
Molecular consequence: missense variant.
Genome position (GRCh38, 1-based): chr14:67,729,357, G>C. VCF-style: chr14-67729357-G-C. GRCh37 (hg19) VCF-style: chr14-68196074-G-C.
Other names: short protein forms E275D.
Identifiers: ClinVar variation 2880964 (VCV002880964.3), dbSNP rs376224342, ClinGen allele CA7238824.

ClinVar aggregate classification (germline): Uncertain significance (1 of 4 stars; one submission).

Conditions:
Leber congenital amaurosis 13 (LCA13). Identifiers: MedGen C2675186, MONDO:0012990, OMIM 612712.

Allele frequency attached by ClinVar (database versions not stated): ExAC 0.00001; ESP Exome Variant Server 0.00008.
gnomAD v4.1: 3 of 1,597,886 alleles (0.00019%); highest among the groups gnomAD compares: Non-Finnish European, 0.00025%; no homozygotes.

Submission:

Labcorp Genetics (formerly Invitae), Labcorp
Classification: Uncertain significance for Leber congenital amaurosis 13. Last evaluated: 2025-07-09. Review status: criteria provided, single submitter. Criteria: Invitae Variant Classification Sherloc (09022015). Collection method: clinical testing. Allele origin: germline.
Comment: This sequence change replaces glutamic acid, which is acidic and polar, with aspartic acid, which is acidic and polar, at codon 275 of the RDH12 protein (p.Glu275Asp). This variant is present in population databases (rs376224342, gnomAD 0.0009%). This variant has not been reported in the literature in individuals affected with RDH12-related conditions. ClinVar contains an entry for this variant (Variation ID: 2880964). Invitae Evidence Modeling of protein sequence and biophysical properties (such as structural, functional, and spatial information, amino acid conservation, physicochemical variation, residue mobility, and thermodynamic stability) indicates that this missense variant is not expected to disrupt RDH12 protein function with a negative predictive value of 80%. In summary, the available evidence is currently insufficient to determine the role of this variant in disease. Therefore, it has been classified as a Variant of Uncertain Significance.